The following is an entry in ClinVar:

ClinVar aggregate classification (germline): Uncertain significance (1 of 4 stars; one submission).

Conditions:
3-methylcrotonyl-CoA carboxylase 2 deficiency. Also called: 3 alpha methylcrotonyl-CoA carboxylase 2 deficiency; 3 alpha methylcrotonylglycinuria 2; MCC 2 deficiency; Methylcrotonylglycinuria type 2; METHYLCROTONYLGLYCINURIA, TYPE II. Identifiers: Orphanet 6, MedGen C1859499, MONDO:0008862, OMIM 210210.

Submission:

Labcorp Genetics (formerly Invitae), Labcorp
Classification: Uncertain significance for 3-methylcrotonyl-CoA carboxylase 2 deficiency. Last evaluated: 2025-01-06. Review status: criteria provided, single submitter. Criteria: Invitae Variant Classification Sherloc (09022015). Collection method: clinical testing. Allele origin: germline.
Comment: This sequence change replaces alanine, which is neutral and non-polar, with serine, which is neutral and polar, at codon 207 of the MCCC2 protein (p.Ala207Ser). This variant is not present in population databases (gnomAD no frequency). This variant has not been reported in the literature in individuals affected with MCCC2-related conditions. ClinVar contains an entry for this variant (Variation ID: 1394325). Invitae Evidence Modeling of protein sequence and biophysical properties (such as structural, functional, and spatial information, amino acid conservation, physicochemical variation, residue mobility, and thermodynamic stability) indicates that this missense variant is not expected to disrupt MCCC2 protein function with a negative predictive value of 80%. In summary, the available evidence is currently insufficient to determine the role of this variant in disease. Therefore, it has been classified as a Variant of Uncertain Significance.

NM_022132.5(MCCC2):c.619G>T (p.Ala207Ser)

Gene: MCCC2 (methylcrotonyl-CoA carboxylase subunit 2; plus strand). Cytogenetic location: 5q13.2.
Variant type: single nucleotide variant.
Coding change: c.619G>T on transcript NM_022132.5 (MANE Select); coding-DNA position 619, G replaced by T.
Protein change: p.Ala207Ser; replaces alanine 207 with serine.
Molecular consequence: missense variant.
Genome position (GRCh38, 1-based): chr5:71,604,463, G>T. VCF-style: chr5-71604463-G-T. GRCh37 (hg19) VCF-style: chr5-70900290-G-T.
Other names: c.619G>T, p.Ala207Ser (NM_001363147.1); short protein forms A207S.
Identifiers: ClinVar variation 1394325 (VCV001394325.8), dbSNP rs2112329415, ClinGen allele CA360012336.